The following is an entry in ClinVar:

ClinVar aggregate classification (germline): Uncertain significance (0 of 4 stars; one submission).

Conditions:
MTRR-related disorder. Also called: MTRR-related condition.

gnomAD v4.1: 1 of 1,613,700 alleles (0.000062%); highest among the groups gnomAD compares: South Asian, 0.0011%; no homozygotes.

Submission:

PreventionGenetics, part of Exact Sciences
Classification: Uncertain significance for MTRR-related condition. Last evaluated: 2024-08-10. Review status: no assertion criteria provided. Collection method: clinical testing. Allele origin: germline.
Comment: The MTRR c.323G>A variant is predicted to result in the amino acid substitution p.Gly108Glu. This variant was reported along with a MTRR nonsense variant in an individual with suspected homocystinuria, cblE type (Supplementary Table 4, Huemer et al. 2015. PubMed ID: 25526710). This variant has not been reported in a large population database. At this time, the clinical significance of this variant is uncertain due to the absence of conclusive functional and genetic evidence.

NM_002454.3(MTRR):c.323G>A (p.Gly108Glu)

Gene: MTRR (5-methyltetrahydrofolate-homocysteine methyltransferase reductase; plus strand). Cytogenetic location: 5p15.31.
Variant type: single nucleotide variant.
Coding change: c.323G>A on transcript NM_002454.3 (MANE Select); coding-DNA position 323, G replaced by A.
Protein change: p.Gly108Glu; replaces glycine 108 with glutamic acid.
Molecular consequence: missense variant. On other transcripts: non-coding transcript variant (14).
Genome position (GRCh38, 1-based): chr5:7,875,297, G>A. VCF-style: chr5-7875297-G-A. GRCh37 (hg19) VCF-style: chr5-7875410-G-A.
Other names: c.323G>A, p.Gly108Glu (NM_001364440.2, NM_001364441.2, NM_001364442.2 and 1 more transcripts); short protein forms G108E.
Identifiers: ClinVar variation 3352951 (VCV003352951.1).